The following is an entry in ClinVar:

ClinVar aggregate classification (germline): Uncertain significance. Review status: criteria provided, multiple submitters, no conflicts (2 of 4 stars). 3 submissions from 3 submitters: Uncertain significance (3). Last evaluated 2024-11-12.

Conditions:
Familial adenomatous polyposis 1 (FAP1). Also called: POLYPOSIS, ADENOMATOUS INTESTINAL; FAMILIAL ADENOMATOUS POLYPOSIS 1, ATTENUATED. Identifiers: MedGen C2713442, MONDO:0021056, OMIM 175100. Disease mechanism: loss of function.
Hereditary cancer-predisposing syndrome. Also called: Hereditary neoplastic syndrome; Neoplastic Syndromes, Hereditary; Tumor predisposition; Hereditary Cancer Syndrome. Identifiers: Orphanet 140162, MedGen C0027672, MeSH D009386, MONDO:0015356.

Submissions (3):

Labcorp Genetics (formerly Invitae), Labcorp
Classification: Uncertain significance for Familial adenomatous polyposis 1. Last evaluated: 2024-11-12. Review status: criteria provided, single submitter. Criteria: Invitae Variant Classification Sherloc (09022015). Collection method: clinical testing. Allele origin: germline.
Comment: This variant, c.6360_6365dup, results in the insertion of 2 amino acid(s) of the APC protein (p.Ala2121_Ala2122dup), but otherwise preserves the integrity of the reading frame. This variant is not present in population databases (gnomAD no frequency). This variant has not been reported in the literature in individuals affected with APC-related conditions. ClinVar contains an entry for this variant (Variation ID: 470044). Experimental studies and prediction algorithms are not available or were not evaluated, and the functional significance of this variant is currently unknown. In summary, the available evidence is currently insufficient to determine the role of this variant in disease. Therefore, it has been classified as a Variant of Uncertain Significance.

Ambry Genetics
Classification: Uncertain significance for Hereditary cancer-predisposing syndrome. Last evaluated: 2024-02-29. Review status: criteria provided, single submitter. Criteria: Ambry Variant Classification Scheme 2023. Collection method: clinical testing. Allele origin: germline.
Comment: The c.6360_6365dupTGCTGC variant (also known as p.A2121_A2122dup), located in coding exon 15 of the APC gene, results from an in-frame duplication of TGCTGC at nucleotide positions 6360 to 6365. This results in the duplication of 2 extra residues (AA) between codons 2121 and 2122. These amino acid positions are well conserved in available vertebrate species. In addition, this alteration is predicted to be neutral by in silico analysis (Choi Y et al. PLoS ONE. 2012; 7(10):e46688). Since supporting evidence is limited at this time, the clinical significance of this alteration remains unclear.

Color Diagnostics, LLC DBA Color Health
Classification: Uncertain significance for Hereditary cancer-predisposing syndrome. Last evaluated: 2019-06-29. Review status: criteria provided, single submitter. Criteria: ACMG Guidelines, 2015. Collection method: clinical testing. Allele origin: germline.

NM_000038.6(APC):c.6354TGC[6] (p.Ala2121_Ala2122dup)

Gene: APC (APC regulator of Wnt signaling pathway; plus strand). Cytogenetic location: 5q22.2.
Variant type: Microsatellite.
Coding change: c.6354TGC[6] on transcript NM_000038.6 (MANE Select); six copies in a row of the 3-base unit TGC starting at c.6354; the reference has four copies in a row; two copies, 6 bases duplicated.
Protein change: p.Ala2121_Ala2122dup.
Molecular consequence: inframe insertion.
Genome position (GRCh38, 1-based): chr5:112,841,954-112,841,959, TGCTGC duplicated; duplicating any 6 consecutive bases within chr5:112,841,946-112,841,959 gives the same sequence; the position shown is the placement nearest the transcript's 3' end. VCF-style (leftmost placement, unchanged base first): chr5-112841945-A-AGCTGCT. GRCh37 (hg19) VCF-style: chr5-112177642-A-AGCTGCT.
Other names: c.6360_6365dupTGCTGC (NM_000038.5); c.6354TGC[6], p.Ala2121_Ala2122dup (NM_001127510.3, NM_001354895.2); c.6300TGC[6], p.Ala2103_Ala2104dup (NM_001127511.3); c.6408TGC[6], p.Ala2139_Ala2140dup (NM_001354896.2); c.6384TGC[6], p.Ala2131_Ala2132dup (NM_001354897.2); c.6279TGC[6], p.Ala2096_Ala2097dup (NM_001354898.2); c.6270TGC[6], p.Ala2093_Ala2094dup (NM_001354899.2); c.6231TGC[6], p.Ala2080_Ala2081dup (NM_001354900.2); and 6 more.
Identifiers: ClinVar variation 470044 (VCV000470044.15), dbSNP rs587780602, ClinGen allele CA658655995.